The following is an entry in ClinVar:

NM_000481.4(AMT):c.754G>A (p.Glu252Lys)

Gene: AMT (aminomethyltransferase; minus strand). Cytogenetic location: 3p21.31.
Variant type: single nucleotide variant.
Coding change: c.754G>A on transcript NM_000481.4 (MANE Select); coding-DNA position 754, G replaced by A.
Protein change: p.Glu252Lys; replaces glutamic acid 252 with lysine.
Molecular consequence: missense variant. On other transcripts: non-coding transcript variant (1).
Genome position (GRCh38, 1-based): chr3:49,419,094, C>T on the plus strand (G>A on the coding strand, the complement: AMT is on the minus strand). VCF-style: chr3-49419094-C-T. GRCh37 (hg19) VCF-style: chr3-49456527-C-T.
Other names: c.622G>A, p.Glu208Lys (NM_001164710.2); c.586G>A, p.Glu196Lys (NM_001164711.2); c.754G>A, p.Glu252Lys (NM_001164712.2); short protein forms E196K, E252K, E208K.
Identifiers: ClinVar variation 2161991 (VCV002161991.1), dbSNP rs144698224, ClinGen allele CA2398241.

ClinVar aggregate classification (germline): Uncertain significance (1 of 4 stars; one submission).

Conditions:
Glycine encephalopathy. Also called: Non-ketotic hyperglycinemia; Nonketotic hyperglycinemia. Identifiers: Orphanet 407, MedGen C0751748, MONDO:0011612, HP:0008288.

Allele frequency attached by ClinVar (database versions not stated): gnomAD 0.00001; gnomAD exomes 0.00001; TOPMed 0.00001; ExAC 0.00002; ESP Exome Variant Server 0.00008.
gnomAD v4.1: 7 of 1,614,012 alleles (0.00043%); highest among the groups gnomAD compares: Non-Finnish European, 0.00059%; no homozygotes.

Submission:

Labcorp Genetics (formerly Invitae), Labcorp
Classification: Uncertain significance for Glycine encephalopathy. Last evaluated: 2022-06-16. Review status: criteria provided, single submitter. Criteria: Invitae Variant Classification Sherloc (09022015). Collection method: clinical testing. Allele origin: germline.
Comment: This sequence change replaces glutamic acid, which is acidic and polar, with lysine, which is basic and polar, at codon 252 of the AMT protein (p.Glu252Lys). This variant is present in population databases (rs144698224, gnomAD 0.002%). This variant has not been reported in the literature in individuals affected with AMT-related conditions. Advanced modeling of protein sequence and biophysical properties (such as structural, functional, and spatial information, amino acid conservation, physicochemical variation, residue mobility, and thermodynamic stability) performed at Invitae indicates that this missense variant is not expected to disrupt AMT protein function. In summary, the available evidence is currently insufficient to determine the role of this variant in disease. Therefore, it has been classified as a Variant of Uncertain Significance.